The following is an entry in ClinVar:

ClinVar aggregate classification (germline): Uncertain significance. Review status: criteria provided, multiple submitters, no conflicts (2 of 4 stars). 2 submissions from 2 submitters: Uncertain significance (2). Last evaluated 2025-03-04.

Conditions:
Familial adenomatous polyposis 1 (FAP1). Also called: POLYPOSIS, ADENOMATOUS INTESTINAL; FAMILIAL ADENOMATOUS POLYPOSIS 1, ATTENUATED. Identifiers: MedGen C2713442, MONDO:0021056, OMIM 175100. Disease mechanism: loss of function.
Hereditary cancer-predisposing syndrome. Also called: Hereditary neoplastic syndrome; Neoplastic Syndromes, Hereditary; Tumor predisposition; Hereditary Cancer Syndrome. Identifiers: Orphanet 140162, MedGen C0027672, MeSH D009386, MONDO:0015356.

Allele frequency attached by ClinVar (database versions not stated): gnomAD exomes below 0.00001; TOPMed below 0.00001.
gnomAD v4.1: 2 of 1,612,062 alleles (0.00012%); highest among the groups gnomAD compares: South Asian, 0.0022%; no homozygotes.

Submissions (2):

Ambry Genetics
Classification: Uncertain significance for Hereditary cancer-predisposing syndrome. Last evaluated: 2025-03-04. Review status: criteria provided, single submitter. Criteria: Ambry Variant Classification Scheme 2023. Collection method: clinical testing. Allele origin: germline.
Comment: The p.S1820A variant (also known as c.5458T>G), located in coding exon 15 of the APC gene, results from a T to G substitution at nucleotide position 5458. The serine at codon 1820 is replaced by alanine, an amino acid with similar properties. This amino acid position is not well conserved in available vertebrate species. In addition, in silico predictors for this gene do not accurately predict pathogenicity. Missense alterations in APC are not a common cause of disease (Spier I et al. Genet Med. 2024 Feb;26(2):100992). Based on the available evidence, the clinical significance of this variant remains unclear.

Labcorp Genetics (formerly Invitae), Labcorp
Classification: Uncertain significance for Familial adenomatous polyposis 1. Last evaluated: 2024-02-24. Review status: criteria provided, single submitter. Criteria: Invitae Variant Classification Sherloc (09022015). Collection method: clinical testing. Allele origin: germline.
Comment: This sequence change replaces serine, which is neutral and polar, with alanine, which is neutral and non-polar, at codon 1820 of the APC protein (p.Ser1820Ala). This variant is present in population databases (no rsID available, gnomAD 0.003%). This variant has not been reported in the literature in individuals affected with APC-related conditions. ClinVar contains an entry for this variant (Variation ID: 470007). Advanced modeling of protein sequence and biophysical properties (such as structural, functional, and spatial information, amino acid conservation, physicochemical variation, residue mobility, and thermodynamic stability) performed at Invitae indicates that this missense variant is not expected to disrupt APC protein function with a negative predictive value of 95%. In summary, the available evidence is currently insufficient to determine the role of this variant in disease. Therefore, it has been classified as a Variant of Uncertain Significance.

NM_000038.6(APC):c.5458T>G (p.Ser1820Ala)

Gene: APC (APC regulator of Wnt signaling pathway; plus strand). Cytogenetic location: 5q22.2.
Variant type: single nucleotide variant.
Coding change: c.5458T>G on transcript NM_000038.6 (MANE Select); coding-DNA position 5458, T replaced by G.
Protein change: p.Ser1820Ala; replaces serine 1820 with alanine.
Molecular consequence: missense variant.
Genome position (GRCh38, 1-based): chr5:112,841,052, T>G. VCF-style: chr5-112841052-T-G. GRCh37 (hg19) VCF-style: chr5-112176749-T-G.
Other names: c.5458T>G, p.Ser1820Ala (NM_001127510.3, NM_001354895.2); c.5404T>G, p.Ser1802Ala (NM_001127511.3); c.5512T>G, p.Ser1838Ala (NM_001354896.2); c.5488T>G, p.Ser1830Ala (NM_001354897.2); c.5383T>G, p.Ser1795Ala (NM_001354898.2); c.5374T>G, p.Ser1792Ala (NM_001354899.2); c.5335T>G, p.Ser1779Ala (NM_001354900.2); c.5281T>G, p.Ser1761Ala (NM_001354901.2); and 5 more; short protein forms S1802A, S1820A, S1694A, S1779A, S1830A, S1795A, S1537A, S1660A.
Identifiers: ClinVar variation 470007 (VCV000470007.17), dbSNP rs1301894985, ClinGen allele CA16033273.